The following is an entry in ClinVar:

ClinVar aggregate classification (germline): Likely pathogenic. Review status: criteria provided, multiple submitters, no conflicts (2 of 4 stars). 3 submissions from 3 submitters: Likely pathogenic (3). Last evaluated 2026-01-20.

Conditions:
Hereditary spastic paraplegia 49 (HSAN9). Also called: TECPR2-Related Hereditary Sensory and Autonomic Neuropathy with Intellectual Disability; Spastic paraplegia 49, autosomal recessive; NEUROPATHY, HEREDITARY SENSORY AND AUTONOMIC, TYPE IX, WITH DEVELOPMENTAL DELAY. Identifiers: Orphanet 320385, MedGen C5190860, MONDO:0014016, OMIM 615031.

gnomAD v4.1: 1 of 1,607,952 alleles (0.000062%); highest among the groups gnomAD compares: Non-Finnish European, 0.000085%; no homozygotes.

Submissions (3):

Labcorp Genetics (formerly Invitae), Labcorp
Classification: Likely pathogenic for Hereditary spastic paraplegia 49. Last evaluated: 2026-01-20. Review status: criteria provided, single submitter. Criteria: Invitae Variant Classification Sherloc (09022015). Collection method: clinical testing. Allele origin: germline.
Comment: This sequence change affects a donor splice site in intron 7 of the TECPR2 gene. It is expected to disrupt RNA splicing. Variants that disrupt the donor or acceptor splice site typically lead to a loss of protein function (PMID: 16199547), and loss-of-function variants in TECPR2 are known to be pathogenic (PMID: 23176824, 25590979). This variant is not present in population databases (gnomAD no frequency). This variant has not been reported in the literature in individuals affected with TECPR2-related conditions. ClinVar contains an entry for this variant (Variation ID: 3576352). Algorithms developed to predict the effect of sequence changes on RNA splicing suggest that this variant may disrupt the consensus splice site. In summary, the currently available evidence indicates that the variant is pathogenic, but additional data are needed to prove that conclusively. Therefore, this variant has been classified as Likely Pathogenic.

Natera, Inc.
Classification: Likely pathogenic for Autosomal recessive spastic paraplegia type 49. Last evaluated: 2024-08-21. Review status: criteria provided, single submitter. Criteria: Natera Variant Classification Schema (03/2026). Collection method: clinical testing. Allele origin: germline.
Comment: The c.1084+2T>C variant in TECPR2 is a canonical splice donor site variant predicted to affect pre-mRNA splicing, which may result in an abnormal transcript and altered protein product. This variant is expected to result in nonsense mediated decay, truncation, or a dysfunctional protein product. This variant is rare in the general population with a frequency below the threshold expected for the associated phenotype(s). Given the available evidence, this variant is classified as Likely Pathogenic.

Fulgent Genetics
Classification: Likely pathogenic for Hereditary spastic paraplegia 49. Last evaluated: 2024-06-19. Review status: criteria provided, single submitter. Criteria: ACMG Guidelines, 2015. Collection method: clinical testing. Allele origin: germline.

Literature cited by the submitters: PubMed 16199547 (cited by Labcorp Genetics (formerly Invitae), Labcorp); PubMed 23176824 (cited by Labcorp Genetics (formerly Invitae), Labcorp); PubMed 25590979 (cited by Labcorp Genetics (formerly Invitae), Labcorp).

NM_014844.5(TECPR2):c.1084+2T>C

Gene: TECPR2 (tectonin beta-propeller repeat containing 2; plus strand). Cytogenetic location: 14q32.31.
Variant type: single nucleotide variant.
Coding change: c.1084+2T>C on transcript NM_014844.5 (MANE Select); the canonical splice donor site of the intron after coding-DNA position 1084, T replaced by C.
Molecular consequence: splice donor variant.
Genome position (GRCh38, 1-based): chr14:102,428,384, T>C. VCF-style: chr14-102428384-T-C. GRCh37 (hg19) VCF-style: chr14-102894721-T-C.
Other names: c.1084+2T>C (NM_001172631.3, NM_014844.4).
Identifiers: ClinVar variation 3576352 (VCV003576352.3).
Genomic context (GRCh38, chr14:102,428,384, plus strand): 5'-GAAAGGAGATAGGAACATTATAAGAATTTCAAGCAGGCCTGAAGGATTAACATCAACAGG[T>C]TTGTATTTATTATAAAATGTACCATGTATATGATGGGAAGTACTATACTCTGTTGTTTGT-3'